The following is an entry in ClinVar:

NM_080424.4(SP110):c.1100C>T (p.Thr367Met)

Genes: SP110 (SP110 nuclear body protein; minus strand), SP140 (SP140 nuclear body protein; plus strand). Cytogenetic location: 2q37.1.
Variant type: single nucleotide variant.
Coding change: c.1100C>T on transcript NM_080424.4 (MANE Select); coding-DNA position 1100, C replaced by T.
Protein change: p.Thr367Met; replaces threonine 367 with methionine.
Molecular consequence: missense variant.
Genome position (GRCh38, 1-based): chr2:230,200,914, G>A on the plus strand (C>T on the coding strand, the complement: SP110 is on the minus strand). VCF-style: chr2-230200914-G-A. GRCh37 (hg19) VCF-style: chr2-231065630-G-A.
Other names: c.1118C>T, p.Thr373Met (NM_001185015.2, NM_001378442.1, NM_001378444.1 and 2 more transcripts); c.1100C>T, p.Thr367Met (NM_001378443.1, NM_004509.5, NM_004510.4); c.950C>T, p.Thr317Met (NM_001378447.1); short protein forms T367M, T373M, T317M.
Identifiers: ClinVar variation 235324 (VCV000235324.17), dbSNP rs59573011, ClinGen allele CA2154628.
Genomic context (GRCh38, chr2:230,200,914, plus strand): 5'-TACTCTGAGACCAGCAATCTCCAAGTTTTACCTTGTGTGACCCTTCGTGGTGTACTAGGC[G>A]TCTTCTGGGACCTCTTTCCTTCATTCATTTCTGAAGTGCCATCAATGATCTCTGGAAAAT-3'
Protein context (NP_536349.3, residues 357-377): EMNEGKRSQK[Thr367Met]PSTPRRVTQG

ClinVar aggregate classification (germline): Benign/Likely benign. Review status: criteria provided, multiple submitters, no conflicts (2 of 4 stars). 4 submissions from 4 submitters: Benign (2); Likely benign (2). Last evaluated 2026-02-01.

Conditions:
Hepatic veno-occlusive disease-immunodeficiency syndrome. Also called: Hepatic Veno-Occlusive Disease with Immunodeficiency. Identifiers: Orphanet 79124, MedGen C1856128, MONDO:0009338, OMIM 235550. Disease mechanism: loss of function.

Allele frequency attached by ClinVar (database versions not stated): gnomAD exomes 0.00140 and 0.00388; ExAC 0.00468; gnomAD 0.01523 and 0.01618; 1000 Genomes Project 0.01657; TOPMed 0.01751; ESP Exome Variant Server 0.01791; 1000 Genomes Project 30x 0.01874.
gnomAD v4.1: 4,455 of 1,613,672 alleles (0.28%); highest among the groups gnomAD compares: African/African-American, 5.2%; 105 homozygotes.

Submissions (4):

Labcorp Genetics (formerly Invitae), Labcorp
Classification: Benign for Hepatic veno-occlusive disease-immunodeficiency syndrome. Last evaluated: 2026-02-01. Review status: criteria provided, single submitter. Criteria: Invitae Variant Classification Sherloc (09022015). Collection method: clinical testing. Allele origin: germline.

Illumina Laboratory Services, Illumina
Classification: Likely benign for Hepatic veno-occlusive disease-immunodeficiency syndrome. Last evaluated: 2017-04-27. Review status: criteria provided, single submitter. Criteria: ICSL Variant Classification Criteria 13 December 2019. Collection method: clinical testing. Allele origin: germline.
Comment: This variant was observed as part of a predisposition screen in an ostensibly healthy population. A literature search was performed for the gene, cDNA change, and amino acid change (where applicable). No publications were found based on this search. Allele frequency data from public databases allowed determination this variant is unlikely to cause disease. Therefore, this variant is classified as likely benign.

Center for Pediatric Genomic Medicine, Children's Mercy Hospital and Clinics
Classification: Benign. Last evaluated: 2015-07-08. Review status: criteria provided, single submitter. Criteria: ACMG Guidelines, 2015. Collection method: clinical testing. Allele origin: germline.

Breakthrough Genomics
Classification: Likely benign. Review status: criteria provided, single submitter. Criteria: ACMG Guidelines, 2015. Collection method: not provided. Allele origin: germline. Inheritance: Autosomal recessive inheritance. Affected: yes.